The following is an entry in ClinVar:

ClinVar aggregate classification (germline): Uncertain significance. Review status: criteria provided, multiple submitters, no conflicts (2 of 4 stars). 5 submissions from 5 submitters: Uncertain significance (5). Last evaluated 2026-01-09.

Conditions:
Classic or attenuated familial adenomatous polyposis. Identifiers: MedGen CN372698, MONDO:0021057.
Hereditary cancer-predisposing syndrome. Also called: Tumor predisposition; Hereditary neoplastic syndrome; Neoplastic Syndromes, Hereditary; Hereditary Cancer Syndrome. Identifiers: Orphanet 140162, MedGen C0027672, MeSH D009386, MONDO:0015356.
Familial adenomatous polyposis 1 (FAP1). Also called: POLYPOSIS, ADENOMATOUS INTESTINAL; FAMILIAL ADENOMATOUS POLYPOSIS 1, ATTENUATED. Identifiers: MedGen C2713442, MONDO:0021056, OMIM 175100. Disease mechanism: loss of function.

Allele frequency attached by ClinVar (database versions not stated): gnomAD exomes below 0.00001; gnomAD 0.00001; TOPMed 0.00003; ESP Exome Variant Server 0.00008.
gnomAD v4.1: 3 of 1,614,004 alleles (0.00019%); highest among the groups gnomAD compares: African/African-American, 0.004%; no homozygotes.

Submissions (5):

Ambry Genetics
Classification: Uncertain significance for Hereditary cancer-predisposing syndrome. Last evaluated: 2026-01-09. Review status: criteria provided, single submitter. Criteria: Ambry Variant Classification Scheme 2023. Collection method: clinical testing. Allele origin: germline.

Labcorp Genetics (formerly Invitae), Labcorp
Classification: Uncertain significance for Familial adenomatous polyposis 1. Last evaluated: 2025-11-09. Review status: criteria provided, single submitter. Criteria: Invitae Variant Classification Sherloc (09022015). Collection method: clinical testing. Allele origin: germline.
Comment: This sequence change replaces alanine, which is neutral and non-polar, with serine, which is neutral and polar, at codon 1755 of the APC protein (p.Ala1755Ser). This variant is not present in population databases (gnomAD no frequency). This variant has not been reported in the literature in individuals affected with APC-related conditions. ClinVar contains an entry for this variant (Variation ID: 181808). Invitae Evidence Modeling of protein sequence and biophysical properties (such as structural, functional, and spatial information, amino acid conservation, physicochemical variation, residue mobility, and thermodynamic stability) indicates that this missense variant is not expected to disrupt APC protein function with a negative predictive value of 95%. In summary, the available evidence is currently insufficient to determine the role of this variant in disease. Therefore, it has been classified as a Variant of Uncertain Significance.

GeneDx
Classification: Uncertain significance. Last evaluated: 2024-09-16. Review status: criteria provided, single submitter. Criteria: GeneDx Variant Classification Process June 2021. Collection method: clinical testing. Allele origin: germline. Affected: yes.
Comment: Not observed at significant frequency in large population cohorts (gnomAD); In silico analysis indicates that this missense variant does not alter protein structure/function; Has not been previously published as pathogenic or benign to our knowledge; This variant is associated with the following publications: (PMID: 28569743, 18199528)

Color Diagnostics, LLC DBA Color Health
Classification: Uncertain significance for Hereditary cancer-predisposing syndrome. Last evaluated: 2024-03-06. Review status: criteria provided, single submitter. Criteria: ACMG Guidelines, 2015. Collection method: clinical testing. Allele origin: germline.
Comment: This missense variant replaces alanine with serine at codon 1755 of the APC protein. Computational prediction suggests that this variant may not impact protein structure and function (internally defined REVEL score threshold <= 0.5, PMID: 27666373). Splice site prediction tools suggest that this variant may not impact RNA splicing. To our knowledge, functional studies have not been performed for this variant. This variant has not been reported in individuals affected with hereditary cancer in the literature. This variant has not been identified in the general population by the Genome Aggregation Database (gnomAD). The available evidence is insufficient to determine the role of this variant in disease conclusively. Therefore, this variant is classified as a Variant of Uncertain Significance.

All of Us Research Program, National Institutes of Health
Classification: Uncertain significance for Classic or attenuated familial adenomatous polyposis. Last evaluated: 2023-11-28. Review status: criteria provided, single submitter. Criteria: ACMG Guidelines, 2015. Collection method: clinical testing. Allele origin: germline. Inheritance: Autosomal dominant inheritance. Observed: 3 variant alleles, 3 heterozygotes.
Comment: This missense variant replaces alanine with serine at codon 1755 of the APC protein. Computational prediction suggests that this variant may not impact protein structure and function (internally defined REVEL score threshold <= 0.5, PMID: 27666373). Splice site prediction tools suggest that this variant may not impact RNA splicing. To our knowledge, functional studies have not been performed for this variant. This variant has not been reported in individuals affected with hereditary cancer in the literature. This variant has not been identified in the general population by the Genome Aggregation Database (gnomAD). The available evidence is insufficient to determine the role of this variant in disease conclusively. Therefore, this variant is classified as a Variant of Uncertain Significance.

This study involves interpretation of variants in research participants for the purpose of population health screening. Participant phenotype was not available at the time of variant classification. Additional details can be found in publication PMID: 35346344, PMCID: PMC8962531

NM_000038.6(APC):c.5263G>T (p.Ala1755Ser)

Gene: APC (APC regulator of Wnt signaling pathway; plus strand). Cytogenetic location: 5q22.2.
Variant type: single nucleotide variant.
Coding change: c.5263G>T on transcript NM_000038.6 (MANE Select); coding-DNA position 5263, G replaced by T.
Protein change: p.Ala1755Ser; replaces alanine 1755 with serine.
Molecular consequence: missense variant.
Genome position (GRCh38, 1-based): chr5:112,840,857, G>T. VCF-style: chr5-112840857-G-T. GRCh37 (hg19) VCF-style: chr5-112176554-G-T.
Other names: p.A1755S:GCG>TCG; c.5263G>T, p.Ala1755Ser (NM_001127510.3, NM_001354895.2); c.5209G>T, p.Ala1737Ser (NM_001127511.3); c.5317G>T, p.Ala1773Ser (NM_001354896.2); c.5293G>T, p.Ala1765Ser (NM_001354897.2); c.5188G>T, p.Ala1730Ser (NM_001354898.2); c.5179G>T, p.Ala1727Ser (NM_001354899.2); c.5140G>T, p.Ala1714Ser (NM_001354900.2); and 6 more; short protein forms A1737S, A1755S, A1654S, A1664S, A1472S, A1629S, A1714S, A1773S.
Identifiers: ClinVar variation 181808 (VCV000181808.63), dbSNP rs371067258, ClinGen allele CA009984.
Genomic context (GRCh38, chr5:112,840,857, plus strand): 5'-GGGAAAAGTCACAAGCCTTTCCGTGTGAAAAAGATAATGGACCAGGTCCAGCAAGCATCT[G>T]CGTCTTCTTCTGCACCCAACAAAAATCAGTTAGATGGTAAGAAAAAGAAACCAACTTCAC-3'
Protein context (NP_000029.2, residues 1745-1765): KIMDQVQQAS[Ala1755Ser]SSSAPNKNQL